The following is an entry in ClinVar:

ClinVar aggregate classification (germline): Uncertain significance (1 of 4 stars; one submission).

Conditions:
Cardiovascular phenotype. Identifiers: MedGen CN230736.

Allele frequency attached by ClinVar (database versions not stated): TOPMed below 0.00001.
gnomAD v4.1: 1 of 1,614,198 alleles (0.000062%); highest among the groups gnomAD compares: Non-Finnish European, 0.000085%; no homozygotes.

Submission:

Ambry Genetics
Classification: Uncertain significance for Cardiovascular phenotype. Last evaluated: 2023-09-22. Review status: criteria provided, single submitter. Criteria: Ambry Variant Classification Scheme 2023. Collection method: clinical testing. Allele origin: germline.
Comment: The p.N520T variant (also known as c.1559A>C), located in coding exon 11 of the ABCG8 gene, results from an A to C substitution at nucleotide position 1559. The asparagine at codon 520 is replaced by threonine, an amino acid with similar properties. This amino acid position is conserved. In addition, this alteration is predicted to be tolerated by in silico analysis. Since supporting evidence is limited at this time, the clinical significance of this alteration remains unclear.

NM_022437.3(ABCG8):c.1559A>C (p.Asn520Thr)

Gene: ABCG8 (ATP binding cassette subfamily G member 8; plus strand). Cytogenetic location: 2p21.
Variant type: single nucleotide variant.
Coding change: c.1559A>C on transcript NM_022437.3 (MANE Select); coding-DNA position 1559, A replaced by C.
Protein change: p.Asn520Thr; replaces asparagine 520 with threonine.
Molecular consequence: missense variant.
Genome position (GRCh38, 1-based): chr2:43,875,216, A>C. VCF-style: chr2-43875216-A-C. GRCh37 (hg19) VCF-style: chr2-44102355-A-C.
Other names: c.1556A>C, p.Asn519Thr (NM_001357321.2); short protein forms N519T, N520T.
Identifiers: ClinVar variation 3227773 (VCV003227773.1), dbSNP rs778893832, ClinGen allele CA346670345.
Genomic context (GRCh38, chr2:43,875,216, plus strand): 5'-AGCTTCCGGAGCACTGTGCCTACATCATCATCTACGGGATGCCCACCTACTGGCTGGCCA[A>C]CCTGAGGCCAGGCCTCCAGCCCTTCCTGCTGCACTTCCTGCTGGTGTGGCTGGTGGTCTT-3'
Protein context (NP_071882.1, residues 510-530): IYGMPTYWLA[Asn520Thr]LRPGLQPFLL